The following is an entry in ClinVar:

NM_002180.3(IGHMBP2):c.317_318insA (p.Thr107fs)

Gene: IGHMBP2 (immunoglobulin mu DNA binding protein 2; plus strand). Cytogenetic location: 11q13.3.
Variant type: Insertion.
Coding change: c.317_318insA on transcript NM_002180.3 (MANE Select); coding-DNA positions 317 to 318, A inserted.
Protein change: p.Thr107fs; shifts the reading frame from threonine 107.
Molecular consequence: frameshift variant.
Genome position: GRCh38 VCF-style: chr11-68908205-T-TA. GRCh37 (hg19) VCF-style: chr11-68675673-T-TA.
Other names: short protein forms T107fs.
Identifiers: ClinVar variation 2033010 (VCV002033010.4), dbSNP rs2495950095, ClinGen allele CA2580084765.

ClinVar aggregate classification (germline): Pathogenic (1 of 4 stars; one submission).

Conditions:
Autosomal recessive distal spinal muscular atrophy 1. Also called: HMN VI; NEURONOPATHY, SEVERE INFANTILE AXONAL, WITH RESPIRATORY FAILURE; SEVERE INFANTILE AXONAL NEUROPATHY WITH RESPIRATORY FAILURE; SPINAL MUSCULAR ATROPHY, DIAPHRAGMATIC; Spinal muscular atrophy with respiratory distress 1; NEURONOPATHY, DISTAL HEREDITARY MOTOR, HARDING TYPE VI. Identifiers: Orphanet 98920, MedGen C1858517, MONDO:0011436, OMIM 604320.
Charcot-Marie-Tooth disease axonal type 2S. Also called: CHARCOT-MARIE-TOOTH NEUROPATHY, TYPE 2S; CHARCOT-MARIE-TOOTH DISEASE, AXONAL, AUTOSOMAL RECESSIVE, TYPE 2S. Identifiers: Orphanet 443073, MedGen C4015349, MONDO:0014511, OMIM 616155.

Submission:

Labcorp Genetics (formerly Invitae), Labcorp
Classification: Pathogenic for Autosomal recessive distal spinal muscular atrophy 1; Charcot-Marie-Tooth disease axonal type 2S. Last evaluated: 2022-09-27. Review status: criteria provided, single submitter. Criteria: Invitae Variant Classification Sherloc (09022015). Collection method: clinical testing. Allele origin: germline.
Comment: For these reasons, this variant has been classified as Pathogenic. This variant has not been reported in the literature in individuals affected with IGHMBP2-related conditions. This variant is not present in population databases (gnomAD no frequency). This sequence change creates a premature translational stop signal (p.Thr107Aspfs*13) in the IGHMBP2 gene. It is expected to result in an absent or disrupted protein product. Loss-of-function variants in IGHMBP2 are known to be pathogenic (PMID: 14681881, 25439726, 25568292).

Literature cited by the submitters: PubMed 14681881; PubMed 25439726; PubMed 25568292.